The following is an entry in ClinVar:

NM_012479.4(YWHAG):c.687C>A (p.Asn229Lys)

Gene: YWHAG (tyrosine 3-monooxygenase/tryptophan 5-monooxygenase activation protein gamma; minus strand). Cytogenetic location: 7q11.23.
Variant type: single nucleotide variant.
Coding change: c.687C>A on transcript NM_012479.4 (MANE Select); coding-DNA position 687, C replaced by A.
Protein change: p.Asn229Lys; replaces asparagine 229 with lysine.
Molecular consequence: missense variant.
Genome position (GRCh38, 1-based): chr7:76,329,634, G>T on the plus strand (C>A on the coding strand, the complement: YWHAG is on the minus strand). VCF-style: chr7-76329634-G-T. GRCh37 (hg19) VCF-style: chr7-75958951-G-T.
Other names: short protein forms N229K.
Identifiers: ClinVar variation 2748386 (VCV002748386.3), dbSNP rs2536180495, ClinGen allele CA367776072.

ClinVar aggregate classification (germline): Uncertain significance (1 of 4 stars; one submission).

Submission:

Labcorp Genetics (formerly Invitae), Labcorp
Classification: Uncertain significance. Last evaluated: 2023-09-29. Review status: criteria provided, single submitter. Criteria: Invitae Variant Classification Sherloc (09022015). Collection method: clinical testing. Allele origin: germline.
Comment: This variant is not present in population databases (gnomAD no frequency). This sequence change replaces asparagine, which is neutral and polar, with lysine, which is basic and polar, at codon 229 of the YWHAG protein (p.Asn229Lys). This variant has not been reported in the literature in individuals affected with YWHAG-related conditions. Advanced modeling of protein sequence and biophysical properties (such as structural, functional, and spatial information, amino acid conservation, physicochemical variation, residue mobility, and thermodynamic stability) performed at Invitae indicates that this missense variant is expected to disrupt YWHAG protein function. In summary, the available evidence is currently insufficient to determine the role of this variant in disease. Therefore, it has been classified as a Variant of Uncertain Significance.